The following is an entry in ClinVar:

ClinVar aggregate classification (germline): Uncertain significance (1 of 4 stars; one submission).

Conditions:
Aortic valve disease 2 (AOVD2). Identifiers: MedGen C3542024, MONDO:0013902, OMIM 614823.

Submission:

Labcorp Genetics (formerly Invitae), Labcorp
Classification: Uncertain significance for Aortic valve disease 2. Last evaluated: 2024-06-10. Review status: criteria provided, single submitter. Criteria: Invitae Variant Classification Sherloc (09022015). Collection method: clinical testing. Allele origin: germline.
Comment: This sequence change replaces proline, which is neutral and non-polar, with leucine, which is neutral and non-polar, at codon 90 of the SMAD6 protein (p.Pro90Leu). This variant is not present in population databases (gnomAD no frequency). This variant has not been reported in the literature in individuals affected with SMAD6-related conditions. ClinVar contains an entry for this variant (Variation ID: 1424563). Algorithms developed to predict the effect of missense changes on protein structure and function output the following: SIFT: "Not Available"; PolyPhen-2: "Benign"; Align-GVGD: "Not Available". The leucine amino acid residue is found in multiple mammalian species, which suggests that this missense change does not adversely affect protein function. In summary, the available evidence is currently insufficient to determine the role of this variant in disease. Therefore, it has been classified as a Variant of Uncertain Significance.

NM_005585.5(SMAD6):c.269C>T (p.Pro90Leu)

Gene: SMAD6 (SMAD family member 6; plus strand). Cytogenetic location: 15q22.31.
Variant type: single nucleotide variant.
Coding change: c.269C>T on transcript NM_005585.5 (MANE Select); coding-DNA position 269, C replaced by T.
Protein change: p.Pro90Leu; replaces proline 90 with leucine.
Molecular consequence: missense variant. On other transcripts: non-coding transcript variant (1).
Genome position (GRCh38, 1-based): chr15:66,703,527, C>T. VCF-style: chr15-66703527-C-T. GRCh37 (hg19) VCF-style: chr15-66995865-C-T.
Other names: short protein forms P90L.
Identifiers: ClinVar variation 1424563 (VCV001424563.6), dbSNP rs1448623139, ClinGen allele CA392949117.